The following is an entry in ClinVar:

ClinVar aggregate classification (germline): Likely benign (1 of 4 stars; one submission).

gnomAD v4.1: 198 of 397,480 alleles (0.05%); highest among the groups gnomAD compares: East Asian, 0.49%; 2 homozygotes.

Submission:

CeGaT Center for Human Genetics Tuebingen
Classification: Likely benign. Last evaluated: 2026-09-01. Review status: criteria provided, single submitter. Criteria: CeGaT Center For Human Genetics Tuebingen Variant Classification Criteria Version 2. Collection method: clinical testing. Allele origin: germline. Affected: yes. Observed: 3 variant alleles.
Comment: KCNQ1OT1: BS1

NM_000218.3(KCNQ1):c.1393+27615G>A

Genes: KCNQ1 (potassium voltage-gated channel subfamily Q member 1; plus strand), KCNQ1OT1 (KCNQ1 opposite strand/antisense transcript 1; minus strand). Cytogenetic location: 11p15.5.
Variant type: single nucleotide variant.
Coding change: c.1393+27615G>A on transcript NM_000218.3 (MANE Select); 27615 bases into the intron after coding-DNA position 1393, G replaced by A.
Molecular consequence: intron variant. On other transcripts: non-coding transcript variant (1).
Genome position (GRCh38, 1-based): chr11:2,616,469, G>A. VCF-style: chr11-2616469-G-A. GRCh37 (hg19) VCF-style: chr11-2637699-G-A.
Other names: c.1123+27615G>A (NM_001406837.1); c.1297+27615G>A (NM_001406836.1); c.853+27615G>A (NM_001406838.1); c.1012+27615G>A (NM_181798.2).
Identifiers: ClinVar variation 3257238 (VCV003257238.17).
Genomic context (GRCh38, chr11:2,616,469, plus strand): 5'-CATATTATTTCATTCTCTCTTTTAACTTTAGGTTTACTTCGTTCTTCTTTCTCTGGTTAC[G>A]TAAGGTATAATATTAGGTTATGGATCCTTCTTCTTTTTCAGTGTGGGCATTCACAGCTAT-3'